The following is an entry in ClinVar:

ClinVar aggregate classification (germline): Uncertain significance (1 of 4 stars; one submission).

Conditions:
Severe combined immunodeficiency due to CARMIL2 deficiency. Also called: IMMUNODEFICIENCY 58. Identifiers: Orphanet 542301, MedGen C4748304, MONDO:0029134, OMIM 618131.

Submission:

Neuberg Centre For Genomic Medicine, NCGM
Classification: Uncertain significance for Severe combined immunodeficiency due to CARMIL2 deficiency. Review status: criteria provided, single submitter. Criteria: ACMG Guidelines, 2015. Collection method: clinical testing. Allele origin: germline. Inheritance: Autosomal recessive inheritance. Affected: yes.
Comment: The observed missense variant c.1828A>C (p.Asn610His) in CARMIL2 gene has not been reported previously as a pathogenic variant nor as a benign variant, to our knowledge. The p.Asn610His variant is absent in gnomAD Exomes. This variant has not been submitted to the ClinVar database. The amino acid change p.Asn610His in CARMIL2 is predicted as conserved by GERP++ and PhyloP across 100 vertebrates. The amino acid Asn at position 610 is changed to a His changing protein sequence and it might alter its composition and physico-chemical properties. Multiple lines of computational evidence (Polyphen - Damaging, SIFT - Damaging and Mutation Taster - Polymorphism) predicts conflicting evidence on protein structure and function for this variant. For these reasons, this variant has been classified as Variant of Uncertain Significance (VUS). In the absence of another reportable variant in CARMIL2 gene, the molecular diagnosis is not confirmed.

NM_001013838.3(CARMIL2):c.1828A>C (p.Asn610His)

Gene: CARMIL2 (capping protein regulator and myosin 1 linker 2; plus strand). Cytogenetic location: 16q22.1.
Variant type: single nucleotide variant.
Coding change: c.1828A>C on transcript NM_001013838.3 (MANE Select); coding-DNA position 1828, A replaced by C.
Protein change: p.Asn610His; replaces asparagine 610 with histidine.
Molecular consequence: missense variant.
Genome position (GRCh38, 1-based): chr16:67,649,528, A>C. VCF-style: chr16-67649528-A-C. GRCh37 (hg19) VCF-style: chr16-67683431-A-C.
Other names: c.1720A>C, p.Asn574His (NM_001317026.3); short protein forms N574H, N610H.
Identifiers: ClinVar variation 3250432 (VCV003250432.1), dbSNP rs2543553890.